The following is an entry in ClinVar:

ClinVar aggregate classification (germline): Likely benign (0 of 4 stars; one submission).

Conditions:
RAB43-related disorder. Also called: RAB43-related condition.

Allele frequency attached by ClinVar (database versions not stated): gnomAD exomes 0.00001.
gnomAD v4.1: 8 of 1,613,302 alleles (0.0005%); highest among the groups gnomAD compares: Non-Finnish European, 0.00068%; no homozygotes.

Submission:

PreventionGenetics, part of Exact Sciences
Classification: Likely benign for RAB43-related condition. Last evaluated: 2022-03-22. Review status: no assertion criteria provided. Collection method: clinical testing. Allele origin: germline.
Comment: This variant is classified as likely benign based on ACMG/AMP sequence variant interpretation guidelines (Richards et al. 2015 PMID: 25741868, with internal and published modifications).

NM_198490.3(RAB43):c.51C>T (p.Phe17=)

Genes: ISY1-RAB43 (ISY1-RAB43 readthrough; minus strand), RAB43 (RAB43, member RAS oncogene family; minus strand). Cytogenetic location: 3q21.3.
Variant type: single nucleotide variant.
Coding change: c.51C>T on transcript NM_198490.3 (MANE Select); coding-DNA position 51, C replaced by T.
Protein change: p.Phe17=; no amino-acid change (phenylalanine 17 retained).
Molecular consequence: synonymous variant. On other transcripts: intron variant (1).
Genome position (GRCh38, 1-based): chr3:129,121,439, G>A on the plus strand (C>T on the coding strand, the complement: RAB43 is on the minus strand). VCF-style: chr3-129121439-G-A. GRCh37 (hg19) VCF-style: chr3-128840282-G-A.
Other names: c.51C>T, p.Phe17= (NM_001204883.2, NM_001204884.2, NM_001204885.1 and 3 more transcripts); c.851+8649C>T (NM_001204890.2).
Identifiers: ClinVar variation 3044970 (VCV003044970.2), dbSNP rs2530000418, ClinGen allele CA435592501.
Genomic context (GRCh38, chr3:129,121,439, plus strand): 5'-GCGCTGCACCACGCACGTCTTGCCCACGCTTGCGTCGCCCACCAGCACCAGCTTGAACAG[G>A]AAATCGTACTGCTCGTCCGGGTCCCCCGGGCCTGGGCCCGGCCCTGCCATGGCCTAGAAG-3'
Protein context (NP_940892.1, residues 7-27): GPGDPDEQYD[Phe17=]LFKLVLVGDA